The following is an entry in ClinVar:

NM_025114.4(CEP290):c.3240T>A (p.Tyr1080Ter)

Gene: CEP290 (centrosomal protein 290; minus strand). Cytogenetic location: 12q21.32.
Variant type: single nucleotide variant.
Coding change: c.3240T>A on transcript NM_025114.4 (MANE Select); coding-DNA position 3240, T replaced by A.
Protein change: p.Tyr1080Ter; replaces tyrosine 1080 with a stop codon.
Molecular consequence: nonsense.
Genome position (GRCh38, 1-based): chr12:88,093,839, A>T on the plus strand (T>A on the coding strand, the complement: CEP290 is on the minus strand). VCF-style: chr12-88093839-A-T. GRCh37 (hg19) VCF-style: chr12-88487616-A-T.
Other names: short protein forms Y1080*.
Identifiers: ClinVar variation 1385952 (VCV001385952.8), dbSNP rs886042467, ClinGen allele CA386006030.
Genomic context (GRCh38, chr12:88,093,839, plus strand): 5'-TTTGGTTTCCAATTCAAAATTACGTTCCTCCATTTGCTTTAACGAAGTCCGTAAGTGTTC[A>T]TACATTTTTTGACAATGTTCAGCCCGCTGCCTTTCATTTAATTCCTTCATTTCCAGCATA-3'

ClinVar aggregate classification (germline): Pathogenic/Likely pathogenic. Review status: criteria provided, multiple submitters, no conflicts (2 of 4 stars). 3 submissions from 3 submitters: Pathogenic (2); Likely pathogenic (1). Last evaluated 2024-08-06.

Conditions:
Meckel syndrome, type 4 (MKS4). Also called: MECKEL-GRUBER SYNDROME, TYPE 4. Identifiers: Orphanet 564, MedGen C1970161, MONDO:0012626, OMIM 611134.
Bardet-Biedl syndrome 14 (BBS14). Identifiers: Orphanet 110, MedGen C2673874, MONDO:0014442, OMIM 615991.
Joubert syndrome 5 (JBTS5). Identifiers: Orphanet 2318, MedGen C1857780, MONDO:0012432, OMIM 610188.
Leber congenital amaurosis 10 (LCA10). Identifiers: Orphanet 65, MedGen C1857821, MONDO:0012723, OMIM 611755.
Senior-Loken syndrome 6 (SLSN6). Identifiers: Orphanet 3156, MedGen C1857779, MONDO:0012433, OMIM 610189.
CEP290-related ciliopathy. Also called: CEP290 ciliopathy. Identifiers: MedGen CN305601, MONDO:0100451.
Meckel-Gruber syndrome. Also called: Dysencephalia splachnocystica; DYSENCEPHALIA SPLANCHNOCYSTICA; GRUBER SYNDROME. Identifiers: Orphanet 564, MedGen C0265215, MONDO:0018921.
Nephronophthisis. Also called: Juvenile Nephronophthisis. Identifiers: Orphanet 655, MedGen C0687120, MONDO:0019005, HP:0000090.
Joubert syndrome. Also called: Familial aplasia of the vermis; JOUBERT-BOLTSHAUSER SYNDROME. Identifiers: Orphanet 475, MedGen C5979921, MONDO:0018772.

Submissions (3):

Myriad Genetics, Inc.
Classification: Pathogenic for CEP290-related ciliopathy. Last evaluated: 2024-08-06. Review status: criteria provided, single submitter. Criteria: Myriad Autosomal Dominant, Autosomal Recessive and X-Linked Classification Criteria (2023). Collection method: clinical testing. Allele origin: unknown.
Comment: NM_025114.3(CEP290):c.3240T>A(Y1080*) is expected to be pathogenic in the context of CEP290-related disorders. This variant is predicted to lead to an abnormal or absent protein product due to the creation of a premature termination codon in CEP290, a gene where loss-of-function variants are known to be pathogenic. Please note: this variant was assessed in the context of healthy population screening.

Fulgent Genetics
Classification: Likely pathogenic for Joubert syndrome 5; Senior-Loken syndrome 6; Meckel syndrome, type 4; Leber congenital amaurosis 10; Bardet-Biedl syndrome 14. Last evaluated: 2024-04-06. Review status: criteria provided, single submitter. Criteria: ACMG Guidelines, 2015. Collection method: clinical testing. Allele origin: germline.

Labcorp Genetics (formerly Invitae), Labcorp
Classification: Pathogenic for Joubert syndrome; Meckel-Gruber syndrome; Nephronophthisis. Last evaluated: 2022-10-05. Review status: criteria provided, single submitter. Criteria: Invitae Variant Classification Sherloc (09022015). Collection method: clinical testing. Allele origin: germline.
Comment: This variant is not present in population databases (gnomAD no frequency). For these reasons, this variant has been classified as Pathogenic. Algorithms developed to predict the effect of sequence changes on RNA splicing suggest that this variant may disrupt the consensus splice site. ClinVar contains an entry for this variant (Variation ID: 1385952). This variant has not been reported in the literature in individuals affected with CEP290-related conditions. This sequence change creates a premature translational stop signal (p.Tyr1080*) in the CEP290 gene. It is expected to result in an absent or disrupted protein product. Loss-of-function variants in CEP290 are known to be pathogenic (PMID: 16909394, 17345604, 20690115).

Literature cited by the submitters: PubMed 16909394 (cited by Labcorp Genetics (formerly Invitae), Labcorp); PubMed 17345604 (cited by Labcorp Genetics (formerly Invitae), Labcorp); PubMed 20690115 (cited by Labcorp Genetics (formerly Invitae), Labcorp).